The following is an entry in ClinVar:

NM_001384474.1(LOXHD1):c.6243T>C (p.Cys2081=)

Gene: LOXHD1 (lipoxygenase homology PLAT domains 1; minus strand). Cytogenetic location: 18q21.1.
Variant type: single nucleotide variant.
Coding change: c.6243T>C on transcript NM_001384474.1 (MANE Select); coding-DNA position 6243, T replaced by C.
Protein change: p.Cys2081=; no amino-acid change (cysteine 2081 retained).
Molecular consequence: synonymous variant.
Genome position (GRCh38, 1-based): chr18:46,483,685, A>G on the plus strand (T>C on the coding strand, the complement: LOXHD1 is on the minus strand). VCF-style: chr18-46483685-A-G. GRCh37 (hg19) VCF-style: chr18-44063648-A-G.
Other names: c.2910T>C, p.Cys970= (NM_001145472.3); c.960T>C, p.Cys320= (NM_001145473.3, NM_001173129.2); c.2622T>C, p.Cys874= (NM_001308013.2); c.6057T>C, p.Cys2019= (NM_144612.7).
Identifiers: ClinVar variation 178391 (VCV000178391.53), dbSNP rs199645176, ClinGen allele CA182239.

ClinVar aggregate classification (germline): Conflicting classifications of pathogenicity. Review status: criteria provided, conflicting classifications (1 of 4 stars). 7 submissions from 7 submitters: Uncertain significance (1); Likely benign (4). 2 of the submissions do not count toward it. Last evaluated 2026-01-25.

Conditions:
Autosomal recessive nonsyndromic hearing loss 77. Identifiers: Orphanet 90636, MedGen C2746083, MONDO:0013119, OMIM 613079.

Allele frequency attached by ClinVar (database versions not stated): TOPMed 0.00014; gnomAD 0.00018 and 0.00026; gnomAD exomes 0.00035 and 0.00057; ESP Exome Variant Server 0.00044; 1000 Genomes Project 30x 0.00047; 1000 Genomes Project 0.00060; ExAC 0.00092.
gnomAD v4.1: 528 of 1,551,714 alleles (0.034%); highest among the groups gnomAD compares: South Asian, 0.26%; 4 homozygotes.

Submissions (7):

Labcorp Genetics (formerly Invitae), Labcorp
Classification: Likely benign. Last evaluated: 2026-01-25. Review status: criteria provided, single submitter. Criteria: Invitae Variant Classification Sherloc (09022015). Collection method: clinical testing. Allele origin: germline.

Blueprint Genetics
Classification: Likely benign. Last evaluated: 2024-11-26. Review status: criteria provided, single submitter. Criteria: ACMG Guidelines, 2015. Collection method: clinical testing. Allele origin: germline.

CeGaT Center for Human Genetics Tuebingen
Classification: Likely benign. Last evaluated: 2024-06-01. Review status: criteria provided, single submitter. Criteria: CeGaT Center For Human Genetics Tuebingen Variant Classification Criteria Version 2. Collection method: clinical testing. Allele origin: germline. Affected: yes. Observed: 4 variant alleles.
Comment: LOXHD1: BP4, BP7

Illumina Laboratory Services, Illumina
Classification: Uncertain significance for Autosomal recessive nonsyndromic hearing loss 77. Last evaluated: 2018-01-13. Review status: criteria provided, single submitter. Criteria: ICSL Variant Classification Criteria 13 December 2019. Collection method: clinical testing. Allele origin: germline.

Laboratory for Molecular Medicine, Mass General Brigham Personalized Medicine
Classification: Likely benign. Last evaluated: 2012-04-30. Review status: criteria provided, single submitter. Criteria: LMM Criteria. Collection method: clinical testing. Allele origin: germline. Observed: 4 variant alleles.
Comment: Cys2019Cys in Exon 39 of LOXHD1: This variant is not expected to have clinical s ignificance because it does not alter an amino acid residue, is not located with in the splice consensus sequence, and has been identified in 0.1% (2/2532) of Eu ropean American chromosomes from a broad population by the NHLBI Exome Sequencin g Project.

Natera, Inc.
Classification: Uncertain significance for Autosomal recessive deafness type 77. Last evaluated: 2020-01-10. Review status: no assertion criteria provided. Collection method: clinical testing. Allele origin: germline. Not counted in ClinVar's aggregate classification.

Counsyl
Classification: Likely benign for Autosomal recessive nonsyndromic hearing loss 77. Last evaluated: 2017-08-07. Review status: no assertion criteria provided. Collection method: clinical testing. Allele origin: unknown. Not counted in ClinVar's aggregate classification.